The following is an entry in ClinVar:

NM_000204.5(CFI):c.505T>C (p.Phe169Leu)

Gene: CFI (complement factor I; minus strand). Cytogenetic location: 4q25.
Variant type: single nucleotide variant.
Coding change: c.505T>C on transcript NM_000204.5 (MANE Select); coding-DNA position 505, T replaced by C.
Protein change: p.Phe169Leu; replaces phenylalanine 169 with leucine.
Molecular consequence: missense variant. On other transcripts: 5 prime UTR variant (1), non-coding transcript variant (3).
Genome position (GRCh38, 1-based): chr4:109,761,670, A>G on the plus strand (T>C on the coding strand, the complement: CFI is on the minus strand). VCF-style: chr4-109761670-A-G. GRCh37 (hg19) VCF-style: chr4-110682826-A-G.
Other names: c.505T>C, p.Phe169Leu (NM_001318057.2, NM_001331035.2, NM_001375278.1 and 5 more transcripts); c.-105T>C (NM_001375284.1); short protein forms F169L.
Identifiers: ClinVar variation 3589768 (VCV003589768.3).

ClinVar aggregate classification (germline): Uncertain significance. Review status: criteria provided, multiple submitters, no conflicts (2 of 4 stars). 2 submissions from 2 submitters: Uncertain significance (2). Last evaluated 2024-10-30.

Conditions:
Atypical hemolytic-uremic syndrome with I factor anomaly. Also called: HEMOLYTIC UREMIC SYNDROME, ATYPICAL, SUSCEPTIBILITY TO, 3; AHUS, SUSCEPTIBILITY TO, 3. Identifiers: Orphanet 2134, MedGen C2752039, MONDO:0013041, OMIM 612923.
Factor I deficiency (CFID). Also called: Complement factor I deficiency. Identifiers: Orphanet 200418, MedGen C3463916, MONDO:0012594, OMIM 610984.
Age related macular degeneration 13. Identifiers: MedGen C3809523, MONDO:0014189, OMIM 615439.

gnomAD v4.1: 2 of 1,613,014 alleles (0.00012%); highest among the groups gnomAD compares: African/African-American, 0.0027%; no homozygotes.

Submissions (2):

Labcorp Genetics (formerly Invitae), Labcorp
Classification: Uncertain significance. Last evaluated: 2024-10-30. Review status: criteria provided, single submitter. Criteria: Invitae Variant Classification Sherloc (09022015). Collection method: clinical testing. Allele origin: germline.
Comment: This sequence change replaces phenylalanine, which is neutral and non-polar, with leucine, which is neutral and non-polar, at codon 169 of the CFI protein (p.Phe169Leu). This variant is not present in population databases (gnomAD no frequency). This variant has not been reported in the literature in individuals affected with CFI-related conditions. Invitae Evidence Modeling of protein sequence and biophysical properties (such as structural, functional, and spatial information, amino acid conservation, physicochemical variation, residue mobility, and thermodynamic stability) indicates that this missense variant is not expected to disrupt CFI protein function with a negative predictive value of 95%. In summary, the available evidence is currently insufficient to determine the role of this variant in disease. Therefore, it has been classified as a Variant of Uncertain Significance.

Fulgent Genetics
Classification: Uncertain significance for Factor I deficiency; Atypical hemolytic-uremic syndrome with I factor anomaly; Age related macular degeneration 13. Last evaluated: 2024-06-18. Review status: criteria provided, single submitter. Criteria: ACMG Guidelines, 2015. Collection method: clinical testing. Allele origin: germline.